The following is an entry in ClinVar:

NM_032608.7(MYO18B):c.4880G>A (p.Arg1627His)

Gene: MYO18B (myosin XVIIIB; plus strand). Cytogenetic location: 22q12.1.
Variant type: single nucleotide variant.
Coding change: c.4880G>A on transcript NM_032608.7 (MANE Select); coding-DNA position 4880, G replaced by A.
Protein change: p.Arg1627His; replaces arginine 1627 with histidine.
Molecular consequence: missense variant.
Genome position (GRCh38, 1-based): chr22:25,902,669, G>A. VCF-style: chr22-25902669-G-A. GRCh37 (hg19) VCF-style: chr22-26298636-G-A.
Other names: c.4883G>A, p.Arg1628His (NM_001318245.2); c.4880G>A (NM_032608.5); short protein forms R1628H, R1627H.
Identifiers: ClinVar variation 1449891 (VCV001449891.5), dbSNP rs371636194, ClinGen allele CA10161017.

ClinVar aggregate classification (germline): Uncertain significance. Review status: criteria provided, multiple submitters, no conflicts (2 of 4 stars). 3 submissions from 3 submitters: Uncertain significance (3). Last evaluated 2024-12-11.

Conditions:
Klippel-Feil anomaly-myopathy-facial dysmorphism syndrome. Also called: Klippel-feil syndrome 4, autosomal recessive, with nemaline myopathy and facial dysmorphism; Klippel-Feil syndrome 4, autosomal recessive, with myopathy and facial dysmorphism. Identifiers: Orphanet 447974, MedGen C4225285, MONDO:0014689, OMIM 616549.
Inborn genetic diseases. Identifiers: MedGen C0950123, MeSH D030342.

Allele frequency attached by ClinVar (database versions not stated): ESP Exome Variant Server 0.00008.
gnomAD v4.1: 46 of 1,599,338 alleles (0.0029%); highest among the groups gnomAD compares: East Asian, 0.014%; no homozygotes.

Submissions (3):

Ambry Genetics
Classification: Uncertain significance for Inborn genetic diseases. Last evaluated: 2024-12-11. Review status: criteria provided, single submitter. Criteria: Ambry Variant Classification Scheme 2023. Collection method: clinical testing. Allele origin: germline.

Labcorp Genetics (formerly Invitae), Labcorp
Classification: Uncertain significance. Last evaluated: 2023-11-13. Review status: criteria provided, single submitter. Criteria: Invitae Variant Classification Sherloc (09022015). Collection method: clinical testing. Allele origin: germline.
Comment: This sequence change replaces arginine, which is basic and polar, with histidine, which is basic and polar, at codon 1627 of the MYO18B protein (p.Arg1627His). This variant is present in population databases (rs371636194, gnomAD 0.02%). This variant has not been reported in the literature in individuals affected with MYO18B-related conditions. ClinVar contains an entry for this variant (Variation ID: 1449891). An algorithm developed to predict the effect of missense changes on protein structure and function (PolyPhen-2) suggests that this variant is likely to be disruptive. In summary, the available evidence is currently insufficient to determine the role of this variant in disease. Therefore, it has been classified as a Variant of Uncertain Significance.

Department of Pathology and Laboratory Medicine, Sinai Health System
Classification: Uncertain significance for Klippel-Feil anomaly-myopathy-facial dysmorphism syndrome. Last evaluated: 2022-06-03. Review status: criteria provided, single submitter. Criteria: ACMG Guidelines, 2015. Collection method: research. Allele origin: germline.